The following is an entry in ClinVar:

ClinVar aggregate classification (germline): Benign/Likely benign. Review status: criteria provided, multiple submitters, no conflicts (2 of 4 stars). 2 submissions from 2 submitters: Benign (1); Likely benign (1). Last evaluated 2025-06-09.

Conditions:
Tuberous sclerosis 2 (TSC2). Identifiers: Orphanet 805, MedGen C1860707, MONDO:0013199, OMIM 613254.
Hereditary cancer-predisposing syndrome. Also called: Neoplastic Syndromes, Hereditary; Tumor predisposition; Hereditary Cancer Syndrome; Hereditary neoplastic syndrome. Identifiers: Orphanet 140162, MedGen C0027672, MeSH D009386, MONDO:0015356.

Submissions (2):

Myriad Genetics, Inc.
Classification: Benign for Tuberous sclerosis 2. Last evaluated: 2025-06-09. Review status: criteria provided, single submitter. Criteria: Myriad Autosomal Dominant, Autosomal Recessive and X-Linked Classification Criteria (2023). Collection method: clinical testing. Allele origin: unknown.
Comment: This variant is considered benign. This variant is a silent/synonymous amino acid change and it is not expected to impact splicing.

Ambry Genetics
Classification: Likely benign for Hereditary cancer-predisposing syndrome. Last evaluated: 2020-06-30. Review status: criteria provided, single submitter. Criteria: Ambry Variant Classification Scheme 2023. Collection method: clinical testing. Allele origin: germline.

NM_000548.5(TSC2):c.5394C>G (p.Ser1798=)

Gene: TSC2 (TSC complex subunit 2; plus strand). Cytogenetic location: 16p13.3.
Variant type: single nucleotide variant.
Coding change: c.5394C>G on transcript NM_000548.5 (MANE Select); coding-DNA position 5394, C replaced by G.
Protein change: p.Ser1798=; no amino-acid change (serine 1798 retained).
Molecular consequence: synonymous variant. On other transcripts: non-coding transcript variant (5).
Genome position (GRCh38, 1-based): chr16:2,088,580, C>G. VCF-style: chr16-2088580-C-G. GRCh37 (hg19) VCF-style: chr16-2138581-C-G.
Other names: c.5193C>G, p.Ser1731= (NM_001077183.3); c.5325C>G, p.Ser1775= (NM_001114382.3); c.5085C>G, p.Ser1695= (NM_001318827.2); c.5049C>G, p.Ser1683= (NM_001318829.2); c.4662C>G, p.Ser1554= (NM_001318831.2); c.5226C>G, p.Ser1742= (NM_001318832.2); c.5196C>G, p.Ser1732= (NM_001363528.2); c.5262C>G, p.Ser1754= (NM_001370404.1); and 27 more.
Identifiers: ClinVar variation 1747242 (VCV001747242.3), dbSNP rs2151642575, ClinGen allele CA493043817.